The following is an entry in ClinVar:

NM_004100.5(EYA4):c.436A>C (p.Lys146Gln)

Gene: EYA4 (EYA transcriptional coactivator and phosphatase 4; plus strand). Cytogenetic location: 6q23.2.
Variant type: single nucleotide variant.
Coding change: c.436A>C on transcript NM_004100.5 (MANE Select); coding-DNA position 436, A replaced by C.
Protein change: p.Lys146Gln; replaces lysine 146 with glutamine.
Molecular consequence: missense variant.
Genome position (GRCh38, 1-based): chr6:133,461,179, A>C. VCF-style: chr6-133461179-A-C. GRCh37 (hg19) VCF-style: chr6-133782317-A-C.
Other names: c.274A>C, p.Lys92Gln (NM_001301012.2, NM_001370459.1); c.436A>C, p.Lys146Gln (NM_001301013.2, NM_172105.4); c.367A>C, p.Lys123Gln (NM_001370458.1, NM_172103.4); short protein forms K123Q, K92Q, K146Q.
Identifiers: ClinVar variation 4714166 (VCV004714166.1).

ClinVar aggregate classification (germline): Uncertain significance (1 of 4 stars; one submission).

Conditions:
Dilated cardiomyopathy 1J (CMD1J). Also called: CARDIOMYOPATHY, DILATED, WITH SENSORINEURAL HEARING LOSS, AUTOSOMAL DOMINANT. Identifiers: Orphanet 217622, MedGen C1854368, MONDO:0011541, OMIM 605362.

Submission:

Labcorp Genetics (formerly Invitae), Labcorp
Classification: Uncertain significance for Dilated cardiomyopathy 1J. Last evaluated: 2025-03-02. Review status: criteria provided, single submitter. Criteria: Invitae Variant Classification Sherloc (09022015). Collection method: clinical testing. Allele origin: germline.
Comment: This sequence change replaces lysine, which is basic and polar, with glutamine, which is neutral and polar, at codon 146 of the EYA4 protein (p.Lys146Gln). This variant is not present in population databases (gnomAD no frequency). This variant has not been reported in the literature in individuals affected with EYA4-related conditions. An algorithm developed to predict the effect of missense changes on protein structure and function (PolyPhen-2) suggests that this variant is likely to be tolerated. Algorithms developed to predict the effect of sequence changes on RNA splicing suggest that this variant may disrupt the consensus splice site. In summary, the available evidence is currently insufficient to determine the role of this variant in disease. Therefore, it has been classified as a Variant of Uncertain Significance.